The following is an entry in ClinVar:

NM_002602.4(PDE6G):c.1A>G (p.Met1Val)

Gene: PDE6G (phosphodiesterase 6G; minus strand). Cytogenetic location: 17q25.3.
Variant type: single nucleotide variant.
Coding change: c.1A>G on transcript NM_002602.4 (MANE Select); coding-DNA position 1, A replaced by G.
Protein change: p.Met1Val; changes the start codon (methionine 1).
Molecular consequence: missense variant, initiator codon variant.
Genome position (GRCh38, 1-based): chr17:81,653,305, T>C on the plus strand (A>G on the coding strand, the complement: PDE6G is on the minus strand). VCF-style: chr17-81653305-T-C. GRCh37 (hg19) VCF-style: chr17-79620335-T-C.
Other names: c.1A>G, p.Met1Val (NM_001365724.1, NM_001365725.1); short protein forms M1V.
Identifiers: ClinVar variation 957595 (VCV000957595.7), dbSNP rs145787522, ClinGen allele CA8839085.

ClinVar aggregate classification (germline): Uncertain significance. Review status: criteria provided, multiple submitters, no conflicts (2 of 4 stars). 2 submissions from 2 submitters: Uncertain significance (2). Last evaluated 2022-11-01.

Allele frequency attached by ClinVar (database versions not stated): gnomAD exomes 0.00003 and 0.00007; ExAC 0.00012; gnomAD 0.00028 and 0.00029; TOPMed 0.00031; 1000 Genomes Project 0.00040; ESP Exome Variant Server 0.00046; 1000 Genomes Project 30x 0.00047.

Submissions (2):

Labcorp Genetics (formerly Invitae), Labcorp
Classification: Uncertain significance. Last evaluated: 2022-11-01. Review status: criteria provided, single submitter. Criteria: Invitae Variant Classification Sherloc (09022015). Collection method: clinical testing. Allele origin: germline.
Comment: This sequence change affects the initiator methionine of the PDE6G mRNA. The next in-frame methionine is located at codon 57. This variant is present in population databases (rs145787522, gnomAD 0.1%). This variant has not been reported in the literature in individuals affected with PDE6G-related conditions. ClinVar contains an entry for this variant (Variation ID: 957595). Experimental studies and prediction algorithms are not available or were not evaluated, and the functional significance of this variant is currently unknown. In summary, the available evidence is currently insufficient to determine the role of this variant in disease. Therefore, it has been classified as a Variant of Uncertain Significance.

Blueprint Genetics
Classification: Uncertain significance. Last evaluated: 2022-07-22. Review status: criteria provided, single submitter. Criteria: ACMG Guidelines, 2015. Collection method: clinical testing. Allele origin: germline.